The following is an entry in ClinVar:

ClinVar aggregate classification (germline): Conflicting classifications of pathogenicity. Review status: criteria provided, conflicting classifications (1 of 4 stars). 2 submissions from 2 submitters: Uncertain significance (1); Likely benign (1). Last evaluated 2026-01-28.

Conditions:
Hereditary cancer-predisposing syndrome. Also called: Hereditary Cancer Syndrome; Neoplastic Syndromes, Hereditary; Hereditary neoplastic syndrome; Tumor predisposition. Identifiers: Orphanet 140162, MedGen C0027672, MeSH D009386, MONDO:0015356.
EGFR-related lung cancer (EGFR). Identifiers: MedGen CN130014.

Allele frequency attached by ClinVar (database versions not stated): gnomAD exomes below 0.00001 and 0.00001; TOPMed below 0.00001; ExAC 0.00001; gnomAD 0.00001.
gnomAD v4.1: 8 of 1,613,976 alleles (0.0005%); highest among the groups gnomAD compares: Non-Finnish European, 0.00068%; no homozygotes.

Submissions (2):

Labcorp Genetics (formerly Invitae), Labcorp
Classification: Likely benign for EGFR-related lung cancer. Last evaluated: 2026-01-28. Review status: criteria provided, single submitter. Criteria: Invitae Variant Classification Sherloc (09022015). Collection method: clinical testing. Allele origin: germline.

Ambry Genetics
Classification: Uncertain significance for Hereditary cancer-predisposing syndrome. Last evaluated: 2025-01-13. Review status: criteria provided, single submitter. Criteria: Ambry Variant Classification Scheme 2023. Collection method: clinical testing. Allele origin: germline.
Comment: The c.975G>A variant (also known as p.K325K), located in coding exon 8 of the EGFR gene, results from a G to A substitution at nucleotide position 975. This nucleotide substitution does not change the lysine at codon 325. This nucleotide position is not well conserved in available vertebrate species. In silico splice site analysis predicts that this alteration may result in the creation or strengthening of a novel splice donor site. Based on the available evidence, the clinical significance of this variant remains unclear.

NM_005228.5(EGFR):c.975G>A (p.Lys325=)

Gene: EGFR (epidermal growth factor receptor; plus strand). Cytogenetic location: 7p11.2.
Variant type: single nucleotide variant.
Coding change: c.975G>A on transcript NM_005228.5 (MANE Select); coding-DNA position 975, G replaced by A.
Protein change: p.Lys325=; no amino-acid change (lysine 325 retained).
Molecular consequence: synonymous variant.
Genome position (GRCh38, 1-based): chr7:55,155,915, G>A. VCF-style: chr7-55155915-G-A. GRCh37 (hg19) VCF-style: chr7-55223608-G-A.
Other names: c.840G>A, p.Lys280= (NM_001346897.2, NM_001346899.2); c.975G>A, p.Lys325= (NM_001346898.2, NM_201282.2, NM_201283.2 and 1 more transcripts); c.816G>A, p.Lys272= (NM_001346900.2); c.174G>A, p.Lys58= (NM_001346941.2); c.975G>A (NM_005228.3).
Identifiers: ClinVar variation 1143759 (VCV001143759.10), dbSNP rs752278049, ClinGen allele CA4265427.